The following is an entry in ClinVar:

NM_006231.4(POLE):c.2380T>A (p.Cys794Ser)

Gene: POLE (DNA polymerase epsilon, catalytic subunit; minus strand). Cytogenetic location: 12q24.33.
Variant type: single nucleotide variant.
Coding change: c.2380T>A on transcript NM_006231.4 (MANE Select); coding-DNA position 2380, T replaced by A.
Protein change: p.Cys794Ser; replaces cysteine 794 with serine.
Molecular consequence: missense variant.
Genome position (GRCh38, 1-based): chr12:132,665,390, A>T on the plus strand (T>A on the coding strand, the complement: POLE is on the minus strand). VCF-style: chr12-132665390-A-T. GRCh37 (hg19) VCF-style: chr12-133241976-A-T.
Other names: short protein forms C794S.
Identifiers: ClinVar variation 2134966 (VCV002134966.4), dbSNP rs2042772022, ClinGen allele CA387397511.
Genomic context (GRCh38, chr12:132,665,390, plus strand): 5'-AGTTCAGGATGCACTTGTGGGCCAGCTGCAGCGAGTCATACAGCACCTCCATGTTCTTGC[A>T]GCGCTTCACCTCAGCCGCGTCGCCCACCTCCACGGCCGCCGAGAGCTTCTTTTTCCACAC-3'
Protein context (NP_006222.2, residues 784-804): EVGDAAEVKR[Cys794Ser]KNMEVLYDSL

ClinVar aggregate classification (germline): Uncertain significance (1 of 4 stars; one submission).

Submission:

Labcorp Genetics (formerly Invitae), Labcorp
Classification: Uncertain significance. Last evaluated: 2022-05-21. Review status: criteria provided, single submitter. Criteria: Invitae Variant Classification Sherloc (09022015). Collection method: clinical testing. Allele origin: germline.
Comment: This sequence change replaces cysteine, which is neutral and slightly polar, with serine, which is neutral and polar, at codon 794 of the POLE protein (p.Cys794Ser). This variant is not present in population databases (gnomAD no frequency). This variant has not been reported in the literature in individuals affected with POLE-related conditions. Algorithms developed to predict the effect of missense changes on protein structure and function (SIFT, PolyPhen-2, Align-GVGD) all suggest that this variant is likely to be tolerated. In summary, the available evidence is currently insufficient to determine the role of this variant in disease. Therefore, it has been classified as a Variant of Uncertain Significance.